The following is an entry in ClinVar:

ClinVar aggregate classification (germline): Uncertain significance. Review status: criteria provided, multiple submitters, no conflicts (2 of 4 stars). 3 submissions from 3 submitters: Uncertain significance (3). Last evaluated 2025-08-07.

Conditions:
Hereditary cancer-predisposing syndrome. Also called: Hereditary Cancer Syndrome; Neoplastic Syndromes, Hereditary; Tumor predisposition; Hereditary neoplastic syndrome. Identifiers: Orphanet 140162, MedGen C0027672, MeSH D009386, MONDO:0015356.
Fumarase deficiency (FMRD). Also called: Fumarate Hydratase Deficiency; Fumaric aciduria. Identifiers: Orphanet 24, MedGen C0342770, MONDO:0011730, OMIM 606812.

Allele frequency attached by ClinVar (database versions not stated): gnomAD exomes below 0.00001 and 0.00005; TOPMed below 0.00001; gnomAD 0.00001 and 0.00003.
gnomAD v4.1: 35 of 1,613,944 alleles (0.0022%); highest among the groups gnomAD compares: East Asian, 0.078%; no homozygotes.

Submissions (3):

Ambry Genetics
Classification: Uncertain significance for Hereditary cancer-predisposing syndrome. Last evaluated: 2025-08-07. Review status: criteria provided, single submitter. Criteria: Ambry Variant Classification Scheme 2023. Collection method: clinical testing. Allele origin: germline.
Comment: The p.T285A variant (also known as c.853A>G), located in coding exon 6 of the FH gene, results from an A to G substitution at nucleotide position 853. The threonine at codon 285 is replaced by alanine, an amino acid with similar properties. This amino acid position is highly conserved in available vertebrate species. In addition, this alteration is predicted to be deleterious by in silico analysis. This variant has been identified in multiple individuals with no reported features of FH-associated leiomyomatosis or renal cell cancer (Ambry internal data). Based on the available evidence, the clinical significance of this variant remains unclear.

Labcorp Genetics (formerly Invitae), Labcorp
Classification: Uncertain significance. Last evaluated: 2025-07-29. Review status: criteria provided, single submitter. Criteria: Invitae Variant Classification Sherloc (09022015). Collection method: clinical testing. Allele origin: germline.
Comment: This sequence change replaces threonine, which is neutral and polar, with alanine, which is neutral and non-polar, at codon 285 of the FH protein (p.Thr285Ala). This variant is present in population databases (rs200791185, gnomAD 0.006%). This variant has not been reported in the literature in individuals affected with FH-related conditions. ClinVar contains an entry for this variant (Variation ID: 639170). Invitae Evidence Modeling of protein sequence and biophysical properties (such as structural, functional, and spatial information, amino acid conservation, physicochemical variation, residue mobility, and thermodynamic stability) indicates that this missense variant is not expected to disrupt FH protein function with a negative predictive value of 80%. In summary, the available evidence is currently insufficient to determine the role of this variant in disease. Therefore, it has been classified as a Variant of Uncertain Significance.

Baylor Genetics
Classification: Uncertain significance for Fumarase deficiency. Last evaluated: 2023-07-10. Review status: criteria provided, single submitter. Criteria: ACMG Guidelines, 2015. Collection method: clinical testing. Allele origin: unknown.

NM_000143.4(FH):c.853A>G (p.Thr285Ala)

Gene: FH (fumarate hydratase; minus strand). Cytogenetic location: 1q43.
Variant type: single nucleotide variant.
Coding change: c.853A>G on transcript NM_000143.4 (MANE Select); coding-DNA position 853, A replaced by G.
Protein change: p.Thr285Ala; replaces threonine 285 with alanine.
Molecular consequence: missense variant.
Genome position (GRCh38, 1-based): chr1:241,506,054, T>C on the plus strand (A>G on the coding strand, the complement: FH is on the minus strand). VCF-style: chr1-241506054-T-C. GRCh37 (hg19) VCF-style: chr1-241669354-T-C.
Other names: short protein forms T285A.
Identifiers: ClinVar variation 639170 (VCV000639170.15), dbSNP rs200791185, ClinGen allele CA40328147.